The following is an entry in ClinVar:

ClinVar aggregate classification (germline): Likely pathogenic (1 of 4 stars; one submission).

Conditions:
COL4A1-related disorder. Also called: COL4A1-related disorders; COL4A1-related condition. Identifiers: MedGen CN376119, MONDO:0800461.

Submission:

Daryl Scott Lab, Baylor College of Medicine
Classification: Likely pathogenic for COL4A1-related disorder. Last evaluated: 2025-08-25. Review status: criteria provided, single submitter. Criteria: ACMG Guidelines, 2015. Collection method: clinical testing. Allele origin: de novo. Affected: yes. Observed: 1 heterozygote.
Comment: PS2, PM2, PP3

NM_001845.6(COL4A1):c.1973G>A (p.Gly658Asp)

Gene: COL4A1 (collagen type IV alpha 1 chain; minus strand). Cytogenetic location: 13q34.
Variant type: single nucleotide variant.
Coding change: c.1973G>A on transcript NM_001845.6 (MANE Select); coding-DNA position 1973, G replaced by A.
Protein change: p.Gly658Asp; replaces glycine 658 with aspartic acid.
Molecular consequence: missense variant.
Genome position (GRCh38, 1-based): chr13:110,183,201, C>T on the plus strand (G>A on the coding strand, the complement: COL4A1 is on the minus strand). VCF-style: chr13-110183201-C-T. GRCh37 (hg19) VCF-style: chr13-110835548-C-T.
Other names: short protein forms G658D.
Identifiers: ClinVar variation 4279688 (VCV004279688.1).
Genomic context (GRCh38, chr13:110,183,201, plus strand): 5'-GAAACTCTCGTGGTATCCCGGTGAGCTGGAATTCCAATCGTACCTTGGGGACCTGGGAAG[C>T]CTGGGGACCCCGGCAGTCCTTCTGCTCCAGGGGGGCCTGGTAAAGGAACAATTTTTCCTG-3'
Protein context (NP_001836.3, residues 648-668): PGAEGLPGSP[Gly658Asp]FPGPQGDRGF